The following is an entry in ClinVar:

NM_002635.4(SLC25A3):c.-4-21C>T

Gene: SLC25A3 (solute carrier family 25 member 3; plus strand). Cytogenetic location: 12q23.1.
Variant type: single nucleotide variant.
Coding change: c.-4-21C>T on transcript NM_002635.4 (MANE Select); 21 bases into the intron before 4 bases upstream of the start codon, C replaced by T.
Molecular consequence: intron variant. On other transcripts: 5 prime UTR variant (1).
Genome position (GRCh38, 1-based): chr12:98,593,954, C>T. VCF-style: chr12-98593954-C-T. GRCh37 (hg19) VCF-style: chr12-98987732-C-T.
Other names: c.-25C>T (NM_213611.3); c.-4-21C>T (NM_005888.4).
Identifiers: ClinVar variation 512668 (VCV000512668.1), dbSNP rs375070289, ClinGen allele CA6732768.
Genomic context (GRCh38, chr12:98,593,954, plus strand): 5'-GCCCCGGTTGGGGTTCCAGGGCGCCGGTAACGTTAACCGGCGCCTTGCCTGTCCTCTAAC[C>T]GTCGCTCCCTCCTCCCCTAGAAAGATGTTCTCGTCCGTGGCGCACCTGGCGCGGGCGAAC-3'

ClinVar aggregate classification (germline): Likely benign (1 of 4 stars; one submission).

Allele frequency attached by ClinVar (database versions not stated): 1000 Genomes Project 30x 0.00016; gnomAD 0.00026; TOPMed 0.00031; ESP Exome Variant Server 0.00054.

Submission:

GeneDx
Classification: Likely benign. Last evaluated: 2017-10-24. Review status: criteria provided, single submitter. Criteria: GeneDx Variant Classification (06012015). Collection method: clinical testing. Allele origin: germline. Affected: yes.
Comment: This variant is considered likely benign or benign based on one or more of the following criteria: it is a conservative change, it occurs at a poorly conserved position in the protein, it is predicted to be benign by multiple in silico algorithms, and/or has population frequency not consistent with disease.